The following is an entry in ClinVar:

ClinVar aggregate classification (germline): Uncertain significance (1 of 4 stars; one submission).

Submission:

Labcorp Genetics (formerly Invitae), Labcorp
Classification: Uncertain significance. Last evaluated: 2022-05-27. Review status: criteria provided, single submitter. Criteria: Invitae Variant Classification Sherloc (09022015). Collection method: clinical testing. Allele origin: germline.
Comment: This sequence change replaces serine, which is neutral and polar, with leucine, which is neutral and non-polar, at codon 43 of the MYH3 protein (p.Ser43Leu). This variant is not present in population databases (gnomAD no frequency). This variant has not been reported in the literature in individuals affected with MYH3-related conditions. Algorithms developed to predict the effect of missense changes on protein structure and function are either unavailable or do not agree on the potential impact of this missense change (SIFT: "Deleterious"; PolyPhen-2: "Benign"; Align-GVGD: "Class C65"). In summary, the available evidence is currently insufficient to determine the role of this variant in disease. Therefore, it has been classified as a Variant of Uncertain Significance.

NM_002470.4(MYH3):c.128C>T (p.Ser43Leu)

Gene: MYH3 (myosin heavy chain 3; minus strand). Cytogenetic location: 17p13.1.
Variant type: single nucleotide variant.
Coding change: c.128C>T on transcript NM_002470.4 (MANE Select); coding-DNA position 128, C replaced by T.
Protein change: p.Ser43Leu; replaces serine 43 with leucine.
Molecular consequence: missense variant.
Genome position (GRCh38, 1-based): chr17:10,654,937, G>A on the plus strand (C>T on the coding strand, the complement: MYH3 is on the minus strand). VCF-style: chr17-10654937-G-A. GRCh37 (hg19) VCF-style: chr17-10558254-G-A.
Other names: short protein forms S43L.
Identifiers: ClinVar variation 1999378 (VCV001999378.4), dbSNP rs2508654980, ClinGen allele CA398118900.
Genomic context (GRCh38, chr17:10,654,937, plus strand): 5'-TCCACAGTGACCTTCCCATCCTGAGAACTCTTGATTTTCCCCTTGGCATATTCTTCCTTT[G>A]AGTCCACCACGAAGCAATACGTCTTGGCATCAAAGGGCTGGTTCTGAGCCTCGATCCTCT-3'
Protein context (NP_002461.2, residues 33-53): DAKTYCFVVD[Ser43Leu]KEEYAKGKIK